The following is an entry in ClinVar:

NM_199420.4(POLQ):c.7280T>C (p.Met2427Thr)

Gene: POLQ (DNA polymerase theta; minus strand). Cytogenetic location: 3q13.33.
Variant type: single nucleotide variant.
Coding change: c.7280T>C on transcript NM_199420.4 (MANE Select); coding-DNA position 7280, T replaced by C.
Protein change: p.Met2427Thr; replaces methionine 2427 with threonine.
Molecular consequence: missense variant.
Genome position (GRCh38, 1-based): chr3:121,440,101, A>G on the plus strand (T>C on the coding strand, the complement: POLQ is on the minus strand). VCF-style: chr3-121440101-A-G. GRCh37 (hg19) VCF-style: chr3-121158948-A-G.
Other names: short protein forms M2427T.
Identifiers: ClinVar variation 1758070 (VCV001758070.2), dbSNP rs2546749970, ClinGen allele CA354098895.

ClinVar aggregate classification (germline): Uncertain significance (1 of 4 stars; one submission).

Submission:

Ambry Genetics
Classification: Uncertain significance. Last evaluated: 2021-09-26. Review status: criteria provided, single submitter. Criteria: Ambry Variant Classification Scheme 2023. Collection method: clinical testing. Allele origin: germline.
Comment: The p.M2427T variant (also known as c.7280T>C), located in coding exon 27 of the POLQ gene, results from a T to C substitution at nucleotide position 7280. The methionine at codon 2427 is replaced by threonine, an amino acid with similar properties. This amino acid position is conserved. In addition, the in silico prediction for this alteration is inconclusive. Since supporting evidence is limited at this time, the clinical significance of this alteration remains unclear.